The following is an entry in ClinVar:

NM_000059.4(BRCA2):c.4183G>T (p.Ala1395Ser)

Gene: BRCA2 (BRCA2 DNA repair associated; plus strand). Cytogenetic location: 13q13.1.
Variant type: single nucleotide variant.
Coding change: c.4183G>T on transcript NM_000059.4 (MANE Select); coding-DNA position 4183, G replaced by T.
Protein change: p.Ala1395Ser; replaces alanine 1395 with serine.
Molecular consequence: missense variant.
Genome position (GRCh38, 1-based): chr13:32,338,538, G>T. VCF-style: chr13-32338538-G-T. GRCh37 (hg19) VCF-style: chr13-32912675-G-T.
Other names: short protein forms A1395S.
Identifiers: ClinVar variation 96805 (VCV000096805.54), dbSNP rs431825318, ClinGen allele CA019684.

ClinVar aggregate classification (germline): Conflicting classifications of pathogenicity. Review status: criteria provided, conflicting classifications (1 of 4 stars). 13 submissions from 13 submitters: Uncertain significance (9); Likely benign (1). 3 of the submissions do not count toward it. Last evaluated 2026-01-05.

Conditions:
BRCA2-related cancer predisposition. Identifiers: MedGen CN377758, MONDO:0700269.
Hereditary cancer-predisposing syndrome. Also called: Hereditary Cancer Syndrome; Neoplastic Syndromes, Hereditary; Hereditary neoplastic syndrome; Tumor predisposition. Identifiers: Orphanet 140162, MedGen C0027672, MeSH D009386, MONDO:0015356.
Hereditary breast ovarian cancer syndrome. Also called: Breast and ovarian cancer; Hereditary breast and/or ovarian cancer syndrome; Hereditary breast and ovarian cancer; Hereditary breast and ovarian cancer syndrome; Hereditary breast and ovarian cancer syndrome (HBOC); BRCA1- and BRCA2-Associated Hereditary Breast and Ovarian Cancer. Identifiers: Orphanet 145, MedGen C0677776, MeSH D061325, MONDO:0003582. Disease mechanism: loss of function.
Breast-ovarian cancer, familial, susceptibility to, 2 (BROVCA2). Also called: BRCA2 Hereditary Breast and Ovarian Cancer. Identifiers: Orphanet 145, MedGen C2675520, MONDO:0012933, OMIM 612555. Disease mechanism: loss of function.
Malignant tumor of breast. Also called: Malignant breast neoplasm; Cancer breast. Identifiers: MedGen C0006142, MONDO:0007254. Disease mechanism: loss of function.

Allele frequency attached by ClinVar (database versions not stated): gnomAD 0.00001; TOPMed 0.00001.
gnomAD v4.1: 2 of 1,603,248 alleles (0.00012%); highest among the groups gnomAD compares: Non-Finnish European, 0.00017%; no homozygotes.

Submissions (13):

Labcorp Genetics (formerly Invitae), Labcorp
Classification: Uncertain significance for Hereditary breast ovarian cancer syndrome. Last evaluated: 2026-01-05. Review status: criteria provided, single submitter. Criteria: Invitae Variant Classification Sherloc (09022015). Collection method: clinical testing. Allele origin: germline.
Comment: This sequence change replaces alanine, which is neutral and non-polar, with serine, which is neutral and polar, at codon 1395 of the BRCA2 protein (p.Ala1395Ser). This variant is not present in population databases (gnomAD no frequency). This missense change has been observed in individual(s) with breast and/or ovarian cancer (PMID: 28651617, 36329109). ClinVar contains an entry for this variant (Variation ID: 96805). Invitae Evidence Modeling of protein sequence and biophysical properties (such as structural, functional, and spatial information, amino acid conservation, physicochemical variation, residue mobility, and thermodynamic stability) indicates that this missense variant is not expected to disrupt BRCA2 protein function with a negative predictive value of 95%. In summary, the available evidence is currently insufficient to determine the role of this variant in disease. Therefore, it has been classified as a Variant of Uncertain Significance.

Color Diagnostics, LLC DBA Color Health
Classification: Uncertain significance for Hereditary cancer-predisposing syndrome. Last evaluated: 2025-04-01. Review status: criteria provided, single submitter. Criteria: ACMG Guidelines, 2015. Collection method: clinical testing. Allele origin: germline.
Comment: This missense variant replaces alanine with serine at codon 1395 of the BRCA2 protein. Computational prediction suggests that this variant may not impact protein structure and function. To our knowledge, functional studies have not been reported for this variant. This variant has not been reported in individuals affected with BRCA2-related disorders in the literature. This variant has not been identified in the general population by the Genome Aggregation Database (gnomAD). The available evidence is insufficient to determine the role of this variant in disease conclusively. Therefore, this variant is classified as a Variant of Uncertain Significance.

Quest Diagnostics Nichols Institute San Juan Capistrano
Classification: Uncertain significance. Last evaluated: 2024-08-29. Review status: criteria provided, single submitter. Criteria: Quest Diagnostics criteria. Collection method: clinical testing. Allele origin: unknown.
Comment: The BRCA2 c.4183G>T (p.Ala1395Ser) variant has been reported in the published literature in individuals with a personal and/or family history of BRCA2-related cancers (PMID: 36329109 (2022), 35264596 (2022), 31853058 (2020), 28651617 (2017)), and described to be located in a region of the BRCA2 gene that is tolerant to missense sequence changes (PMID: 31911673 (2020)). The frequency of this variant in the general population, 0.000013 (2/152112 chromosomes (Genome Aggregation Database)), is uninformative in the assessment of its pathogenicity. Analysis of this variant using bioinformatics tools for the prediction of the effect of amino acid changes on protein structure and function yielded predictions that this variant is benign. Based on the available information, we are unable to determine the clinical significance of this variant.

All of Us Research Program, National Institutes of Health
Classification: Uncertain significance for BRCA2-related cancer predisposition. Last evaluated: 2024-08-06. Review status: criteria provided, single submitter. Criteria: ACMG Guidelines, 2015. Collection method: clinical testing. Allele origin: germline. Inheritance: Autosomal dominant inheritance. Observed: 1 variant allele, 1 heterozygote.
Comment: This missense variant replaces alanine with serine at codon 1395 of the BRCA2 protein. Computational prediction suggests that this variant may not impact protein structure and function (internally defined REVEL score threshold <= 0.5, PMID: 27666373). To our knowledge, functional studies have not been reported for this variant. This variant has not been reported in individuals affected with hereditary cancer in the literature. This variant has not been identified in the general population by the Genome Aggregation Database (gnomAD). The available evidence is insufficient to determine the role of this variant in disease conclusively. Therefore, this variant is classified as a Variant of Uncertain Significance.

This study involves interpretation of variants in research participants for the purpose of population health screening. Participant phenotype was not available at the time of variant classification. Additional details can be found in publication PMID: 35346344, PMCID: PMC8962531

Ambry Genetics
Classification: Uncertain significance for Hereditary cancer-predisposing syndrome. Last evaluated: 2024-03-08. Review status: criteria provided, single submitter. Criteria: Ambry Variant Classification Scheme 2023. Collection method: clinical testing. Allele origin: germline.
Comment: The p.A1395S variant (also known as c.4183G>T and 4411G>T), located in coding exon 10 of the BRCA2 gene, results from a G to T substitution at nucleotide position 4183. The alanine at codon 1395 is replaced by serine, an amino acid with similar properties. This amino acid position is not well conserved in available vertebrate species. In addition, this alteration is predicted to be tolerated by in silico analysis. Since supporting evidence is limited at this time, the clinical significance of this alteration remains unclear.

Women's Health and Genetics/Laboratory Corporation of America, LabCorp
Classification: Uncertain significance. Last evaluated: 2023-08-04. Review status: criteria provided, single submitter. Criteria: LabCorp Variant Classification Summary - May 2015. Collection method: clinical testing. Allele origin: germline.
Comment: Variant summary: BRCA2 c.4183G>T (p.Ala1395Ser) results in a conservative amino acid change in the encoded protein sequence. Five of five in-silico tools predict a benign effect of the variant on protein function. The variant was absent in 241566 control chromosomes. The available data on variant occurrences in the general population are insufficient to allow any conclusion about variant significance. c.4183G>T has been reported in the literature in individuals affected with breast or ovarian cancer (e.g., Guindalini_2022, Matta_2022, Buzolin_2017). However, these reports do not provide unequivocal conclusions about association of the variant with Hereditary Breast And Ovarian Cancer Syndrome. To our knowledge, no experimental evidence demonstrating an impact on protein function has been reported. The following publications have been ascertained in the context of this evaluation (PMID: 28651617, 35264596, 36329109). Nine submitters have cited clinical-significance assessments for this variant to ClinVar after 2014; eight submitters classified the variant as a variant of uncertain significance and one classified it as likely benign. Based on the evidence outlined above, the variant was classified as uncertain significance.

University of Washington Department of Laboratory Medicine, University of Washington
Classification: Likely benign for Hereditary cancer-predisposing syndrome. Last evaluated: 2023-03-23. Review status: criteria provided, single submitter. Criteria: Dines et al. (Genet Med. 2020). Collection method: curation. Allele origin: germline.
Comment: Missense variant in a coldspot region where missense variants are very unlikely to be pathogenic (PMID:31911673).

BRCA2 exon 11 coldspot. Reclassification based on statistical prior probability.

Genetics Program, Instituto Nacional de Cancer
Classification: Uncertain significance for Hereditary breast ovarian cancer syndrome. Last evaluated: 2021-11-01. Review status: criteria provided, single submitter. Criteria: ACMG Guidelines, 2015. Collection method: research. Allele origin: germline. Affected: yes.

Mendelics
Classification: Uncertain significance for Breast-ovarian cancer, familial, susceptibility to, 2. Last evaluated: 2019-05-28. Review status: criteria provided, single submitter. Criteria: Mendelics Assertion Criteria 2017. Collection method: clinical testing. Allele origin: unknown.

GeneDx
Classification: Uncertain significance. Last evaluated: 2015-09-20. Review status: criteria provided, single submitter. Criteria: GeneDx Variant Classification (06012015). Collection method: clinical testing. Allele origin: germline. Affected: yes.
Comment: This variant is denoted BRCA2 c.4183G>T at the cDNA level, p.Ala1395Ser (A1395S) at the protein level, and results in the change of an Alanine to a Serine (GCT>TCT). Using alternate nomenclature, this variant would be defined as BRCA2 4411G>T. This variant has not, to our knowledge, been published in the literature as pathogenic or benign. BRCA2 Ala1395Ser was not observed in approximately 6,500 individuals of European and African American ancestry in the NHLBI Exome Sequencing Project, indicating it is not a common benign variant in these populations. Since Alanine and Serine differ in polarity, charge, size or other properties, this is considered a non-conservative amino acid substitution. BRCA2 Ala1395Ser occurs at a position that is not conserved and is located within the region of interaction with POLH (UniProt). In silico analyses predict that this variant is unlikely to alter protein structure or function. Based on currently available information, it is unclear whether BRCA2 Ala1395Ser is pathogenic or benign. We consider it to be a variant of uncertain significance.

Counsyl
Classification: Uncertain significance for Breast-ovarian cancer, familial, susceptibility to, 2. Last evaluated: 2016-03-10. Review status: no assertion criteria provided. Collection method: clinical testing. Allele origin: unknown. Not counted in ClinVar's aggregate classification.

Sharing Clinical Reports Project (SCRP)
Classification: Uncertain significance for Breast-ovarian cancer, familial 2. Last evaluated: 2012-05-01. Review status: no assertion criteria provided. Collection method: clinical testing. Allele origin: germline. Not counted in ClinVar's aggregate classification.

Department of Pathology and Laboratory Medicine, Sinai Health System
Classification: Uncertain significance for Malignant tumor of breast. Review status: no assertion criteria provided. Collection method: clinical testing. Allele origin: unknown. Affected: yes. Study: The Canadian Open Genetics Repository (COGR). Not counted in ClinVar's aggregate classification.
Comment: The p.Ala1395Ser variant has not been previously identified in the literature nor by our laboratory. This residue is not conserved in mammals and the variant amino acid (Serine) is present in chicken, decreasing the likelihood this variant has clinical significance. Computational analyses provide inconsistent results (PolyPhen2, AlignGVGD, SIFT), however, this information is not predictive enough to assess the pathogenicity. In summary, based on the above information, the clinical significance of this variant cannot be determined with certainty at this time. Therefore this variant is a variant of unknown significance (VUS).

Literature cited by the submitters: PubMed 28651617 (cited by 4 submitters); PubMed 36329109 (cited by 4 submitters); PubMed 35264596 (cited by Quest Diagnostics Nichols Institute San Juan Capistrano and Women's Health and Genetics/Laboratory Corporation of America, LabCorp); PubMed 31911673 (cited by Quest Diagnostics Nichols Institute San Juan Capistrano); PubMed 31131967 (cited by Quest Diagnostics Nichols Institute San Juan Capistrano); PubMed 31853058 (cited by Quest Diagnostics Nichols Institute San Juan Capistrano).